The following is an entry in ClinVar:

NM_015909.4(NBAS):c.4358GTG[2] (p.Gly1455del)

Gene: NBAS (NBAS subunit of NRZ tethering complex; minus strand). Cytogenetic location: 2p24.3.
Variant type: Microsatellite.
Coding change: c.4358GTG[2] on transcript NM_015909.4 (MANE Select); two copies in a row of the 3-base unit GTG starting at c.4358; the reference has three copies in a row; one copy, 3 bases deleted.
Protein change: p.Gly1455del; deletes glycine 1455.
Molecular consequence: inframe deletion. On other transcripts: non-coding transcript variant (1).
Genome position (GRCh38, 1-based): chr2:15,328,294-15,328,296, CAC deleted on the plus strand (GTG on the coding strand, the reverse complement: NBAS is on the minus strand); deleting any 3 consecutive bases within chr2:15,328,294-15,328,302 gives the same sequence; the position shown is the placement nearest the transcript's 3' end. VCF-style (leftmost placement, unchanged base first): chr2-15328293-GCAC-G. GRCh37 (hg19) VCF-style: chr2-15468417-GCAC-G.
Other names: short protein forms G1455del.
Identifiers: ClinVar variation 1979194 (VCV001979194.1), dbSNP rs771612804, ClinGen allele CA1535672.

ClinVar aggregate classification (germline): Uncertain significance (1 of 4 stars; one submission).

Submission:

Labcorp Genetics (formerly Invitae), Labcorp
Classification: Uncertain significance. Last evaluated: 2022-08-01. Review status: criteria provided, single submitter. Criteria: Invitae Variant Classification Sherloc (09022015). Collection method: clinical testing. Allele origin: germline.
Comment: This variant, c.4364_4366del, results in the deletion of 1 amino acid(s) of the NBAS protein (p.Gly1455del), but otherwise preserves the integrity of the reading frame. This variant is present in population databases (rs771612804, gnomAD 0.002%). This variant has not been reported in the literature in individuals affected with NBAS-related conditions. Experimental studies and prediction algorithms are not available or were not evaluated, and the functional significance of this variant is currently unknown. In summary, the available evidence is currently insufficient to determine the role of this variant in disease. Therefore, it has been classified as a Variant of Uncertain Significance.